The following is an entry in ClinVar:

NM_001146079.2(CLDN14):c.49G>A (p.Gly17Ser)

Genes: CLDN14 (claudin 14; minus strand), CLDN14-AS1 (CLDN14 antisense RNA 1; plus strand). Cytogenetic location: 21q22.13.
Variant type: single nucleotide variant.
Coding change: c.49G>A on transcript NM_001146079.2 (MANE Select); coding-DNA position 49, G replaced by A.
Protein change: p.Gly17Ser; replaces glycine 17 with serine.
Molecular consequence: missense variant.
Genome position (GRCh38, 1-based): chr21:36,461,647, C>T on the plus strand (G>A on the coding strand, the complement: CLDN14 is on the minus strand). VCF-style: chr21-36461647-C-T. GRCh37 (hg19) VCF-style: chr21-37833945-C-T.
Other names: c.49G>A, p.Gly17Ser (NM_001146077.2, NM_001146078.3, NM_012130.4 and 1 more transcripts); short protein forms G17S.
Identifiers: ClinVar variation 1064968 (VCV001064968.3), dbSNP rs1270823192, ClinGen allele CA409885092.

ClinVar aggregate classification (germline): Uncertain significance (1 of 4 stars; one submission).

Conditions:
Alport syndrome. Also called: Hemorrhagic familial nephritis; Hemorrhagic hereditary nephritis; Congenital hereditary hematuria. Identifiers: Orphanet 63, MedGen C1567741, MONDO:0018965.

Allele frequency attached by ClinVar (database versions not stated): gnomAD exomes below 0.00001 and 0.00001; gnomAD 0.00001; TOPMed 0.00003.
gnomAD v4.1: 7 of 1,573,252 alleles (0.00044%); highest among the groups gnomAD compares: African/African-American, 0.0014%; no homozygotes.

Submission:

Department of Otolaryngology – Head & Neck Surgery, Cochlear Implant Center
Classification: Uncertain significance for Alport syndrome. Last evaluated: 2021-04-12. Review status: criteria provided, single submitter. Criteria: ClinGen HL ACMG Specifications v1. Collection method: clinical testing. Allele origin: germline. Affected: yes.
Comment: PM2_Moderate, PP3_Supporting